The following is an entry in ClinVar:

ClinVar aggregate classification (germline): Likely benign. Review status: criteria provided, multiple submitters, no conflicts (2 of 4 stars). 3 submissions from 3 submitters: Likely benign (2). 1 of the submissions does not count toward it. Last evaluated 2023-03-04.

Conditions:
Rubinstein-Taybi syndrome (RSTS). Identifiers: Orphanet 783, MedGen C0035934, MONDO:0019188.
CREBBP-related disorder. Also called: CREBBP-related disorders; CREBBP-related condition.
Inborn genetic diseases. Identifiers: MedGen C0950123, MeSH D030342.

Allele frequency attached by ClinVar (database versions not stated): TOPMed 0.00002; ExAC 0.00003.
gnomAD v4.1: 33 of 1,591,816 alleles (0.0021%); highest among the groups gnomAD compares: South Asian, 0.0045%; no homozygotes.

Submissions (3):

Labcorp Genetics (formerly Invitae), Labcorp
Classification: Likely benign for Rubinstein-Taybi syndrome. Last evaluated: 2023-03-04. Review status: criteria provided, single submitter. Criteria: Invitae Variant Classification Sherloc (09022015). Collection method: clinical testing. Allele origin: germline.

Ambry Genetics
Classification: Likely benign for Inborn genetic diseases. Last evaluated: 2016-06-21. Review status: criteria provided, single submitter. Criteria: Ambry Variant Classification Scheme 2023. Collection method: clinical testing. Allele origin: germline.

PreventionGenetics, part of Exact Sciences
Classification: Likely benign for CREBBP-related condition. Last evaluated: 2024-08-21. Review status: no assertion criteria provided. Collection method: clinical testing. Allele origin: germline. Not counted in ClinVar's aggregate classification.
Comment: This variant is classified as likely benign based on ACMG/AMP sequence variant interpretation guidelines (Richards et al. 2015 PMID: 25741868, with internal and published modifications).

NM_004380.3(CREBBP):c.6033C>T (p.Pro2011=)

Gene: CREBBP (CREB binding lysine acetyltransferase; minus strand). Cytogenetic location: 16p13.3.
Variant type: single nucleotide variant.
Coding change: c.6033C>T on transcript NM_004380.3 (MANE Select); coding-DNA position 6033, C replaced by T.
Protein change: p.Pro2011=; no amino-acid change (proline 2011 retained).
Molecular consequence: synonymous variant.
Genome position (GRCh38, 1-based): chr16:3,729,014, G>A on the plus strand (C>T on the coding strand, the complement: CREBBP is on the minus strand). VCF-style: chr16-3729014-G-A. GRCh37 (hg19) VCF-style: chr16-3779015-G-A.
Other names: c.5919C>T, p.Pro1973= (NM_001079846.1).
Identifiers: ClinVar variation 589299 (VCV000589299.15), dbSNP rs763241697, ClinGen allele CA7869196.